The following is an entry in ClinVar:

ClinVar aggregate classification (germline): Uncertain significance. Review status: criteria provided, multiple submitters, no conflicts (2 of 4 stars). 3 submissions from 3 submitters: Uncertain significance (3). Last evaluated 2025-08-04.

Conditions:
Inborn genetic diseases. Identifiers: MedGen C0950123, MeSH D030342.
Klippel-Feil anomaly-myopathy-facial dysmorphism syndrome. Also called: Klippel-feil syndrome 4, autosomal recessive, with nemaline myopathy and facial dysmorphism; Klippel-Feil syndrome 4, autosomal recessive, with myopathy and facial dysmorphism. Identifiers: Orphanet 447974, MedGen C4225285, MONDO:0014689, OMIM 616549.

Allele frequency attached by ClinVar (database versions not stated): gnomAD 0.00004; gnomAD exomes 0.00004 and 0.00012; TOPMed 0.00004; ExAC 0.00005.
gnomAD v4.1: 174 of 1,613,270 alleles (0.011%); highest among the groups gnomAD compares: Non-Finnish European, 0.014%; no homozygotes.

Submissions (3):

Labcorp Genetics (formerly Invitae), Labcorp
Classification: Uncertain significance. Last evaluated: 2025-08-04. Review status: criteria provided, single submitter. Criteria: Invitae Variant Classification Sherloc (09022015). Collection method: clinical testing. Allele origin: germline.
Comment: This sequence change replaces tryptophan, which is neutral and slightly polar, with cysteine, which is neutral and slightly polar, at codon 1382 of the MYO18B protein (p.Trp1382Cys). This variant is present in population databases (rs753489293, gnomAD 0.007%). This variant has not been reported in the literature in individuals affected with MYO18B-related conditions. ClinVar contains an entry for this variant (Variation ID: 1356307). An algorithm developed to predict the effect of missense changes on protein structure and function (PolyPhen-2) suggests that this variant is likely to be disruptive. In summary, the available evidence is currently insufficient to determine the role of this variant in disease. Therefore, it has been classified as a Variant of Uncertain Significance.

Ambry Genetics
Classification: Uncertain significance for Inborn genetic diseases. Last evaluated: 2025-06-10. Review status: criteria provided, single submitter. Criteria: Ambry Variant Classification Scheme 2023. Collection method: clinical testing. Allele origin: germline.

Revvity Omics, Revvity
Classification: Uncertain significance for Klippel-Feil anomaly-myopathy-facial dysmorphism syndrome. Last evaluated: 2023-06-08. Review status: criteria provided, single submitter. Criteria: ACMG Guidelines, 2015. Collection method: clinical testing. Allele origin: germline.

NM_032608.7(MYO18B):c.4146G>C (p.Trp1382Cys)

Gene: MYO18B (myosin XVIIIB; plus strand). Cytogenetic location: 22q12.1.
Variant type: single nucleotide variant.
Coding change: c.4146G>C on transcript NM_032608.7 (MANE Select); coding-DNA position 4146, G replaced by C.
Protein change: p.Trp1382Cys; replaces tryptophan 1382 with cysteine.
Molecular consequence: missense variant.
Genome position (GRCh38, 1-based): chr22:25,876,254, G>C. VCF-style: chr22-25876254-G-C. GRCh37 (hg19) VCF-style: chr22-26272221-G-C.
Other names: c.4149G>C, p.Trp1383Cys (NM_001318245.2); c.4146G>C (NM_032608.5); short protein forms W1383C, W1382C.
Identifiers: ClinVar variation 1356307 (VCV001356307.8), dbSNP rs753489293, ClinGen allele CA10160775.